The following is an entry in ClinVar:

NM_000297.4(PKD2):c.1579_1580del (p.Tyr527fs)

Gene: PKD2 (polycystin 2, transient receptor potential cation channel; plus strand). Cytogenetic location: 4q22.1.
Variant type: Microsatellite.
Coding change: c.1579_1580del on transcript NM_000297.4 (MANE Select); coding-DNA positions 1579 to 1580, 2 bases deleted (TA; older notation c.1579_1580delTA).
Protein change: p.Tyr527fs; shifts the reading frame from tyrosine 527.
Molecular consequence: frameshift variant. On other transcripts: non-coding transcript variant (1).
Genome position (GRCh38, 1-based): chr4:88,052,021-88,052,022, TA deleted; deleting any 2 consecutive bases within chr4:88,052,018-88,052,022 gives the same sequence; the c. name uses the placement nearest the transcript's 3' end. VCF-style (leftmost placement, unchanged base first): chr4-88052017-CAT-C. GRCh37 (hg19) VCF-style: chr4-88973169-CAT-C.
Other names: short protein forms Y527fs.
Identifiers: ClinVar variation 477623 (VCV000477623.7), dbSNP rs1553926509, ClinGen allele CA658657392.

ClinVar aggregate classification (germline): Pathogenic. Review status: criteria provided, multiple submitters, no conflicts (2 of 4 stars). 2 submissions from 2 submitters: Pathogenic (2). Last evaluated 2024-10-09.

Conditions:
Autosomal dominant polycystic kidney disease. Identifiers: Orphanet 730, MedGen C0085413, MONDO:0004691.
Polycystic kidney disease 2 (PKD2). Also called: POLYCYSTIC KIDNEY DISEASE, ADULT, TYPE II; Polycystic Kidney Disease 2, Autosomal Dominant; POLYCYSTIC KIDNEY DISEASE 2 WITH OR WITHOUT POLYCYSTIC LIVER DISEASE. Identifiers: MedGen C2751306, MONDO:0013131, OMIM 613095.

Submissions (2):

Victorian Clinical Genetics Services, Murdoch Childrens Research Institute
Classification: Pathogenic for Polycystic kidney disease 2. Last evaluated: 2024-10-09. Review status: criteria provided, single submitter. Criteria: ACMG Guidelines, 2015. Collection method: clinical testing. Allele origin: germline. Inheritance: Autosomal dominant inheritance. Affected: yes.
Comment: Based on the classification scheme VCGS_Germline_v1.3.4, this variant is classified as Pathogenic. Following criteria are met: 0102 - Loss of function is a known mechanism of disease in this gene and is associated with polycystic kidney disease 2 (MIM#613095). (I) 0107 - This gene is associated with autosomal dominant disease. (I) 0201 - Variant is predicted to cause nonsense-mediated decay (NMD) and loss of protein (premature termination codon is located at least 54 nucleotides upstream of the final exon-exon junction). (SP) 0251 - This variant is heterozygous. (I) 0301 - Variant is absent from gnomAD (both v2 and v3). (SP) 0701 - Other NMD-predicted variants comparable to the one identified in this case have very strong previous evidence for pathogenicity (DECIPHER). (SP) 0803 - This variant has limited previous evidence of pathogenicity in an unrelated individual. It has been reported once as pathogenic by a clinical laboratory (ClinVar). (SP) 0905 - No published segregation evidence has been identified for this variant. (I) 1007 - No published functional evidence has been identified for this variant. (I) 1208 - Inheritance information for this variant is not currently available in this individual. (I) Legend: (SP) - Supporting pathogenic, (I) - Information, (SB) - Supporting benign

Labcorp Genetics (formerly Invitae), Labcorp
Classification: Pathogenic for Autosomal dominant polycystic kidney disease. Last evaluated: 2023-11-02. Review status: criteria provided, single submitter. Criteria: Invitae Variant Classification Sherloc (09022015). Collection method: clinical testing. Allele origin: germline.
Comment: This sequence change creates a premature translational stop signal (p.Tyr527Glnfs*22) in the PKD2 gene. It is expected to result in an absent or disrupted protein product. Loss-of-function variants in PKD2 are known to be pathogenic (PMID: 17582161, 22863349). This variant is not present in population databases (gnomAD no frequency). This variant has not been reported in the literature in individuals affected with PKD2-related conditions. ClinVar contains an entry for this variant (Variation ID: 477623). For these reasons, this variant has been classified as Pathogenic.

Literature cited by the submitters: PubMed 17582161 (cited by Labcorp Genetics (formerly Invitae), Labcorp); PubMed 22863349 (cited by Labcorp Genetics (formerly Invitae), Labcorp).